The following is an entry in ClinVar:

NM_001927.4(DES):c.999C>T (p.Cys333=)

Gene: DES (desmin; plus strand). Cytogenetic location: 2q35.
Variant type: single nucleotide variant.
Coding change: c.999C>T on transcript NM_001927.4 (MANE Select); coding-DNA position 999, C replaced by T.
Protein change: p.Cys333=; no amino-acid change (cysteine 333 retained).
Molecular consequence: synonymous variant.
Genome position (GRCh38, 1-based): chr2:219,420,929, C>T. VCF-style: chr2-219420929-C-T. GRCh37 (hg19) VCF-style: chr2-220285651-C-T.
Other names: c.999C>T (LRG_380t1).
Identifiers: ClinVar variation 508184 (VCV000508184.11), dbSNP rs1157722667, ClinGen allele CA431428180.

ClinVar aggregate classification (germline): Conflicting classifications of pathogenicity. Review status: criteria provided, conflicting classifications (1 of 4 stars). 3 submissions from 3 submitters: Uncertain significance (2); Likely benign (1). Last evaluated 2024-02-27.

Conditions:
Desmin-related myofibrillar myopathy (MFM1). Also called: Desmin related myopathy (former name); Desmin storage myopathy (former name); Desminopathy; Myofibrillar myopathy 1; MYOFIBRILLAR MYOPATHY WITH ARRHYTHMOGENIC RIGHT VENTRICULAR CARDIOMYOPATHY; DESMIN-RELATED MYOPATHY WITH ARRHYTHMOGENIC RIGHT VENTRICULAR CARDIOMYOPATHY. Identifiers: Orphanet 363543, Orphanet 98909, MedGen C1832370, MONDO:0011076, OMIM 601419.

Allele frequency attached by ClinVar (database versions not stated): gnomAD exomes below 0.00001; TOPMed 0.00001.
gnomAD v4.1: 9 of 1,613,512 alleles (0.00056%); highest among the groups gnomAD compares: East Asian, 0.0022%; no homozygotes.

Submissions (3):

GeneDx
Classification: Uncertain significance. Last evaluated: 2024-02-27. Review status: criteria provided, single submitter. Criteria: GeneDx Variant Classification Process June 2021. Collection method: clinical testing. Allele origin: germline. Affected: yes.
Comment: Not observed at significant frequency in large population cohorts (gnomAD); Has not been previously published as pathogenic or benign to our knowledge; In silico analysis suggests this variant may impact gene splicing. In the absence of RNA/functional studies, the actual effect of this sequence change is unknown.

Labcorp Genetics (formerly Invitae), Labcorp
Classification: Likely benign for Desmin-related myofibrillar myopathy. Last evaluated: 2024-02-23. Review status: criteria provided, single submitter. Criteria: Invitae Variant Classification Sherloc (09022015). Collection method: clinical testing. Allele origin: germline.

Athena Diagnostics
Classification: Uncertain significance. Last evaluated: 2020-04-06. Review status: criteria provided, single submitter. Criteria: Athena Diagnostics Criteria. Collection method: clinical testing. Allele origin: unknown.